The following continues an entry in ClinVar:

NM_000521.4(HEXB):c.850C>T (p.Arg284Ter)

Gene: HEXB. ClinVar aggregate classification (germline): Pathogenic. Pathogenic (13).

Submissions 12 to 16 of 16:

Lifecell International Pvt. Ltd
Classification: Pathogenic for Sandhoff disease. Review status: criteria provided, single submitter. Criteria: ACMG Guidelines, 2015. Collection method: clinical testing. Allele origin: germline. Inheritance: Autosomal recessive inheritance. Affected: yes. Observed: 1 homozygote.
Comment: A Homozygote Nonsense variant c.850C>T in Exon 7 of the HEXB gene that results in the amino acid substitution p.Arg284* was identified. The observed variant has a minor allele frequency of 0.00003% in gnomAD exomes. The severity of the impact of this variant on the protein is high, based on the effect of the protein and REVEL score . Rare Exome Variant Ensemble Learner (REVEL) is an ensembl method for predicting the pathogenicity of missense variants based on a combination of scores from 13 individual tools: MutPred, FATHMM v2.3, VEST 3.0, PolyPhen-2, SIFT, PROVEAN, MutationAssessor, MutationTaster, LRT, GERP++, SiPhy, phyloP, and phastCons. The REVEL score for an individual missense variant can range from 0 to 1, with higher scores reflecting greater likelihood that the variant is disease-causing. ClinVar has also classified this variant as Pathogenic(Vaiant ID 3887).This variant has been previously reported in Zhang Z-X et al., 1994. Based on the above evidence this variant has been classified as Pathogenic according to the ACMG guidelines.

Neuberg Centre For Genomic Medicine, NCGM
Classification: Pathogenic for Sandhoff disease. Review status: criteria provided, single submitter. Criteria: ACMG Guidelines, 2015. Collection method: clinical testing. Allele origin: germline. Affected: yes.
Comment: The stop gained p.R284* in HEXB (NM_000521.4) has been reported previously in multipel affected patients with Sandhoff disease including patients of Indian origin (Mahdieh N et al,Tamhankar PM et al). It has been submitted to ClinVar as Pathogenic. The p.R284* variant is observed in 7/30,616 (0.0229%) alleles from individuals of South Asian background in gnomAD Exomes and is novel (not in any individuals) in 1000 Genomes. This variant is predicted to cause loss of normal protein function through protein truncation. For these reasons, this variant has been classified as Pathogenic.

Hong-Tao Li Lab, Institute of Brain Science and Brain-inspired Research, Shandong First Medical University & Shandong Academy of Medical Sciences China
Classification: Pathogenic for Sandhoff disease. Last evaluated: 2026-06-28. Review status: no assertion criteria provided. Collection method: research. Allele origin: germline. Inheritance: Autosomal recessive inheritance. Affected: yes. Observed: 1 variant allele, 1 homozygote. Not counted in ClinVar's aggregate classification.

Counsyl
Classification: Pathogenic for Sandhoff disease. Last evaluated: 2018-05-09. Review status: no assertion criteria provided. Collection method: clinical testing. Allele origin: unknown. Not counted in ClinVar's aggregate classification.

OMIM
Classification: Pathogenic for SANDHOFF DISEASE, INFANTILE. Last evaluated: 2009-02-01. Review status: no assertion criteria provided. Collection method: literature only. Allele origin: germline. Not counted in ClinVar's aggregate classification.

Literature cited by the submitters: PubMed 24613245 (cited by 3 submitters); PubMed 18758829 (cited by 5 submitters); PubMed 8162015 (cited by 4 submitters); PubMed 7550345 (cited by Labcorp Genetics (formerly Invitae), Labcorp); PubMed 23046579 (cited by 3 submitters); PubMed 26582265 (cited by Labcorp Genetics (formerly Invitae), Labcorp and Women's Health and Genetics/Laboratory Corporation of America, LabCorp); PubMed 29448188 (cited by Labcorp Genetics (formerly Invitae), Labcorp); PubMed 19823769 (cited by Counsyl); PubMed 23010210 (cited by Counsyl); PubMed 21483992 (cited by Counsyl).